The following is an entry in ClinVar:

ClinVar aggregate classification (germline): Likely pathogenic. Review status: criteria provided, single submitter (1 of 4 stars). 2 submissions from 1 submitter: Likely pathogenic (2). Last evaluated 2026-08-06.

Conditions:
Dilated cardiomyopathy 1G (CMD1G). Identifiers: Orphanet 154, MedGen C1858763, MONDO:0011400, OMIM 604145.
Tibial muscular dystrophy (TMD). Also called: UDD MYOPATHY; Udd Distal Myopathy – Tibial Muscular Dystrophy; Tibial muscular dystrophy, tardive. Identifiers: Orphanet 609, MedGen C1838244, MONDO:0010870, OMIM 600334.

Submissions (2):

OLLIN Analises Genomicas, OLLIN
Classification: Likely pathogenic for Tibial muscular dystrophy. Last evaluated: 2026-08-06. Review status: criteria provided, single submitter. Criteria: ACMG Guidelines 2015 PMID 25741868. Collection method: clinical testing. Allele origin: germline. Inheritance: Autosomal dominant inheritance.
Comment: This frameshift variant, located in exon 316 (of 363), is absent from gnomAD and has not been identified in the literature. However, it has been reported in ClinVar (accession VCV004814164.1). This variant causes a frameshift and introduces a premature stop codon, which is predicted to result in either a truncated protein or degradation of the mRNA via nonsense-mediated decay (NMD). According to the currently available evidence, this variant has been classified as likely pathogenic (PVS1, PM2_P).

OLLIN Analises Genomicas, OLLIN
Classification: Likely pathogenic for Dilated cardiomyopathy 1G. Last evaluated: 2024-12-06. Review status: criteria provided, single submitter. Criteria: ACMG Guidelines 2015 PMID 25741868. Collection method: clinical testing. Allele origin: germline. Affected: yes. Observed: 1 variant allele.
Comment: The frameshift variant (chr2:178581563 AACGGCATACAC>A), located in exon 265 (of 312), is not reported in the gnomAD v4.1 non-UKB or ClinVar databases and has not been described in the scientific literature. This variant promotes a frameshift with subsequent introduction of a premature stop codon, resulting in a truncated protein or mRNA degradation via nonsense-mediated decay (NMD). According to currently available evidence, this variant has been classified as likely pathogenic (PVS1, PM2_P).

NM_001267550.2(TTN):c.66694_66704del (p.Arg22231_Val22232insTer)

Genes: TTN (titin; minus strand), TTN-AS1 (TTN antisense RNA 1; plus strand). Cytogenetic location: 2q31.2.
Variant type: Deletion.
Coding change: c.66694_66704del on transcript NM_001267550.2 (MANE Select); coding-DNA positions 66694 to 66704, 11 bases deleted (GTGTATGCCGT).
Protein change: p.Arg22231_Val22232insTer.
Molecular consequence: nonsense.
Genome position (GRCh38, 1-based): chr2:178,581,564-178,581,574, ACGGCATACAC deleted on the plus strand (GTGTATGCCGT on the coding strand, the reverse complement: TTN is on the minus strand); deleting any 11 consecutive bases within chr2:178,581,564-178,581,578 gives the same sequence; the c. name uses the placement nearest the transcript's 3' end. VCF-style (leftmost placement, unchanged base first): chr2-178581563-AACGGCATACAC-A. GRCh37 (hg19) VCF-style: chr2-179446290-AACGGCATACAC-A.
Other names: c.39499_39509del, p.Arg13166_Val13167insTer (NM_003319.4); c.58990_59000del, p.Arg19663_Val19664insTer (NM_133378.4); c.39874_39884del, p.Arg13291_Val13292insTer (NM_133432.3); c.40075_40085del, p.Arg13358_Val13359insTer (NM_133437.4); c.61771_61781del, p.Arg20590_Val20591insTer (NM_001256850.1).
Identifiers: ClinVar variation 4814164 (VCV004814164.2).
Genomic context (GRCh38, chr2:178,581,563, plus strand): 5'-GATGTCCTTGGGATAGTGTTTATCTGGCACATCACTGGGGTCACTGTATCCAATCTTATT[AACGGCATACAC>A]ACGGAATTGATATTGTGTGTCTTCCATCAGGCCAGTAACCTCAAAGCGGGTTTTCTGTAG-3'